The following is an entry in ClinVar:

NM_000465.4(BARD1):c.564T>C (p.Pro188=)

Gene: BARD1 (BRCA1 associated RING domain 1; minus strand). Cytogenetic location: 2q35.
Variant type: single nucleotide variant.
Coding change: c.564T>C on transcript NM_000465.4 (MANE Select); coding-DNA position 564, T replaced by C.
Protein change: p.Pro188=; no amino-acid change (proline 188 retained).
Molecular consequence: synonymous variant. On other transcripts: non-coding transcript variant (2), intron variant (3).
Genome position (GRCh38, 1-based): chr2:214,781,310, A>G on the plus strand (T>C on the coding strand, the complement: BARD1 is on the minus strand). VCF-style: chr2-214781310-A-G. GRCh37 (hg19) VCF-style: chr2-215646034-A-G.
Other names: c.507T>C, p.Pro169= (NM_001282543.2); c.158+28102T>C (NM_001282548.2); c.215+15751T>C (NM_001282545.2); c.364+10987T>C (NM_001282549.2).
Identifiers: ClinVar variation 1091516 (VCV001091516.13), dbSNP rs748511245, ClinGen allele CA431391969.

ClinVar aggregate classification (germline): Benign/Likely benign. Review status: criteria provided, multiple submitters, no conflicts (2 of 4 stars). 3 submissions from 3 submitters: Benign (1); Likely benign (2). Last evaluated 2024-07-22.

Conditions:
Familial cancer of breast. Also called: Hereditary breast cancer; BREAST CANCER, FAMILIAL; hereditary breast carcinoma. Identifiers: Orphanet 227535, MedGen C0346153, MONDO:0016419, OMIM 114480. Disease mechanism: loss of function.
Hereditary cancer-predisposing syndrome. Also called: Hereditary Cancer Syndrome; Neoplastic Syndromes, Hereditary; Hereditary neoplastic syndrome; Tumor predisposition. Identifiers: Orphanet 140162, MedGen C0027672, MeSH D009386, MONDO:0015356.

gnomAD v4.1: 2 of 1,611,848 alleles (0.00012%); highest among the groups gnomAD compares: Non-Finnish European, 0.00017%; no homozygotes.

Submissions (3):

Myriad Genetics, Inc.
Classification: Benign for Familial cancer of breast. Last evaluated: 2024-07-22. Review status: criteria provided, single submitter. Criteria: Myriad Autosomal Dominant, Autosomal Recessive and X-Linked Classification Criteria (2023). Collection method: clinical testing. Allele origin: unknown.
Comment: This variant is considered benign. This variant is a silent/synonymous amino acid change and it is not expected to impact splicing.

Labcorp Genetics (formerly Invitae), Labcorp
Classification: Likely benign for Familial cancer of breast. Last evaluated: 2021-09-16. Review status: criteria provided, single submitter. Criteria: Invitae Variant Classification Sherloc (09022015). Collection method: clinical testing. Allele origin: germline.

Ambry Genetics
Classification: Likely benign for Hereditary cancer-predisposing syndrome. Last evaluated: 2020-12-29. Review status: criteria provided, single submitter. Criteria: Ambry Variant Classification Scheme 2023. Collection method: clinical testing. Allele origin: germline.